The following is an entry in ClinVar:

ClinVar aggregate classification (germline): Pathogenic (1 of 4 stars; one submission).

Submission:

Labcorp Genetics (formerly Invitae), Labcorp
Classification: Pathogenic. Last evaluated: 2019-05-21. Review status: criteria provided, single submitter. Criteria: Invitae Variant Classification Sherloc (09022015). Collection method: clinical testing. Allele origin: germline.
Comment: This variant has not been reported in the literature in individuals with ASH1L-related disease. A gross deletion of the genomic region encompassing the full coding sequence of the ASH1L gene has been identified. The boundaries of this event are unknown as the deletion extends beyond the assayed region for this gene and therefore may encompass additional genes. Loss-of-function variants in ASH1L are known to be pathogenic (PMID: 29276005). For these reasons, this variant has been classified as Pathogenic.

Literature cited by the submitters: PubMed 29276005.

NC_000001.11:g.(?_155324845)_(155482449_?)del

Genes: ASH1L (ASH1 like histone lysine methyltransferase; minus strand), MIR555 (microRNA 555; minus strand), RUSC1 (RUN and SH3 domain containing 1; plus strand), LOC129388611 (MPRA-validated peak419 silencer; plus strand), LOC129931568 (ATAC-STARR-seq lymphoblastoid active region 1815; plus strand). Cytogenetic location: 1q22.
Variant type: Deletion.
Identifiers: ClinVar variation 659609 (VCV000659609.7).